The following is an entry in ClinVar:

ClinVar aggregate classification (germline): Uncertain significance (1 of 4 stars; one submission).

Submission:

GeneDx
Classification: Uncertain significance. Last evaluated: 2025-01-10. Review status: criteria provided, single submitter. Criteria: GeneDx Variant Classification Process June 2021. Collection method: clinical testing. Allele origin: germline.
Comment: Not observed at significant frequency in large population cohorts (gnomAD); In silico analysis supports that this missense variant has a deleterious effect on protein structure/function; Has not been previously published as pathogenic or benign to our knowledge

NM_032590.5(KDM2B):c.2882C>G (p.Thr961Arg)

Gene: KDM2B (lysine demethylase 2B; minus strand). Cytogenetic location: 12q24.31.
Variant type: single nucleotide variant.
Coding change: c.2882C>G on transcript NM_032590.5 (MANE Select); coding-DNA position 2882, C replaced by G.
Protein change: p.Thr961Arg; replaces threonine 961 with arginine.
Molecular consequence: missense variant.
Genome position (GRCh38, 1-based): chr12:121,442,559, G>C on the plus strand (C>G on the coding strand, the complement: KDM2B is on the minus strand). VCF-style: chr12-121442559-G-C. GRCh37 (hg19) VCF-style: chr12-121880362-G-C.
Other names: c.2675C>G, p.Thr892Arg (NM_001005366.2); short protein forms T892R, T961R.
Identifiers: ClinVar variation 3391539 (VCV003391539.2).